The following is an entry in ClinVar:

ClinVar aggregate classification (germline): Uncertain significance (1 of 4 stars; one submission).

Submission:

GeneDx
Classification: Uncertain significance. Last evaluated: 2025-12-15. Review status: criteria provided, single submitter. Criteria: GeneDx Variant Classification Process June 2021. Collection method: clinical testing. Allele origin: germline.
Comment: Not observed at significant frequency in large population cohorts (gnomAD); In silico analysis supports that this missense variant has a deleterious effect on protein structure/function; Has not been previously published as pathogenic or benign to our knowledge

NM_005585.5(SMAD6):c.1414T>A (p.Trp472Arg)

Gene: SMAD6 (SMAD family member 6; plus strand). Cytogenetic location: 15q22.31.
Variant type: single nucleotide variant.
Coding change: c.1414T>A on transcript NM_005585.5 (MANE Select); coding-DNA position 1414, T replaced by A.
Protein change: p.Trp472Arg; replaces tryptophan 472 with arginine.
Molecular consequence: missense variant. On other transcripts: non-coding transcript variant (1).
Genome position (GRCh38, 1-based): chr15:66,781,458, T>A. VCF-style: chr15-66781458-T-A. GRCh37 (hg19) VCF-style: chr15-67073796-T-A.
Other names: short protein forms W472R.
Identifiers: ClinVar variation 3769730 (VCV003769730.2).
Genomic context (GRCh38, chr15:66,781,458, plus strand): 5'-CCCGACGCCGCCGACGGCCCCTACGACCCCAACAGCGTCCGCATCAGCTTCGCCAAGGGC[T>A]GGGGGCCCTGCTACTCCCGGCAGTTCATCACCTCCTGCCCCTGCTGGCTGGAGATCCTCC-3'
Protein context (NP_005576.3, residues 462-482): NSVRISFAKG[Trp472Arg]GPCYSRQFIT